The following is an entry in ClinVar:

ClinVar aggregate classification (germline): Uncertain significance (1 of 4 stars; one submission).

Conditions:
Hereditary cancer-predisposing syndrome. Also called: Hereditary Cancer Syndrome; Neoplastic Syndromes, Hereditary; Tumor predisposition; Hereditary neoplastic syndrome. Identifiers: Orphanet 140162, MedGen C0027672, MeSH D009386, MONDO:0015356.

Submission:

Ambry Genetics
Classification: Uncertain significance for Hereditary cancer-predisposing syndrome. Last evaluated: 2022-06-28. Review status: criteria provided, single submitter. Criteria: Ambry Variant Classification Scheme 2023. Collection method: clinical testing. Allele origin: germline.
Comment: The p.S339W variant (also known as c.1016C>G), located in coding exon 5 of the RET gene, results from a C to G substitution at nucleotide position 1016. The serine at codon 339 is replaced by tryptophan, an amino acid with highly dissimilar properties. This amino acid position is conserved. In addition, this alteration is predicted to be tolerated by in silico analysis. Since supporting evidence is limited at this time, the clinical significance of this alteration remains unclear.

NM_020975.6(RET):c.1016C>G (p.Ser339Trp)

Gene: RET (ret proto-oncogene; plus strand). Cytogenetic location: 10q11.21.
Variant type: single nucleotide variant.
Coding change: c.1016C>G on transcript NM_020975.6 (MANE Select); coding-DNA position 1016, C replaced by G.
Protein change: p.Ser339Trp; replaces serine 339 with tryptophan.
Molecular consequence: missense variant.
Genome position (GRCh38, 1-based): chr10:43,106,524, C>G. VCF-style: chr10-43106524-C-G. GRCh37 (hg19) VCF-style: chr10-43601972-C-G.
Other names: c.1016C>G, p.Ser339Trp (NM_000323.2, NM_001406743.1, NM_001406744.1 and 6 more transcripts); c.254C>G, p.Ser85Trp (NM_001355216.2); c.887C>G, p.Ser296Trp (NM_001406761.1, NM_001406762.1, NM_001406764.1 and 1 more transcripts); c.728C>G, p.Ser243Trp (NM_001406766.1, NM_001406767.1, NM_001406770.1); short protein forms S243W, S85W, S296W, S339W.
Identifiers: ClinVar variation 1744895 (VCV001744895.2), dbSNP rs774829203, ClinGen allele CA376546384.